The following is an entry in ClinVar:

NM_005475.3(SH2B3):c.1454A>T (p.Asp485Val)

Gene: SH2B3 (SH2B adaptor protein 3; plus strand). Cytogenetic location: 12q24.12.
Variant type: single nucleotide variant.
Coding change: c.1454A>T on transcript NM_005475.3 (MANE Select); coding-DNA position 1454, A replaced by T.
Protein change: p.Asp485Val; replaces aspartic acid 485 with valine.
Molecular consequence: missense variant.
Genome position (GRCh38, 1-based): chr12:111,448,028, A>T. VCF-style: chr12-111448028-A-T. GRCh37 (hg19) VCF-style: chr12-111885832-A-T.
Other names: c.848A>T, p.Asp283Val (NM_001291424.1); short protein forms D283V, D485V.
Identifiers: ClinVar variation 5029469 (VCV005029469.1).

ClinVar aggregate classification (germline): Uncertain significance (1 of 4 stars; one submission).

Conditions:
Inborn genetic diseases. Identifiers: MedGen C0950123, MeSH D030342.

Submission:

Ambry Genetics
Classification: Uncertain significance for Inborn genetic diseases. Last evaluated: 2026-07-13. Review status: criteria provided, single submitter. Criteria: Ambry Variant Classification Scheme 2023. Collection method: clinical testing. Allele origin: germline.
Comment: The p.D485V variant (also known as c.1454A>T), located in coding exon 7 of the SH2B3 gene, results from an A to T substitution at nucleotide position 1454. The aspartic acid at codon 485 is replaced by valine, an amino acid with highly dissimilar properties. This amino acid position is conserved. In addition, this alteration is predicted to be tolerated by in silico analysis. Based on the available evidence, the clinical significance of this variant remains unclear.